The following is an entry in ClinVar:

ClinVar aggregate classification (germline): Benign. Review status: criteria provided, multiple submitters, no conflicts (2 of 4 stars). 2 submissions from 2 submitters: Benign (2). Last evaluated 2016-02-16.

Allele frequency attached by ClinVar (database versions not stated): gnomAD 0.02121 and 0.01596; 1000 Genomes Project 30x 0.08245; 1000 Genomes Project 0.08726; TOPMed 0.02630; gnomAD exomes 0.00741.
gnomAD v4.1: 3,211 of 152,322 alleles (2.1%); highest among the groups gnomAD compares: East Asian, 24%; 259 homozygotes.

Submissions (2):

GeneDx
Classification: Benign. Last evaluated: 2016-02-16. Review status: criteria provided, single submitter. Criteria: GeneDx Variant Classification (06012015). Collection method: clinical testing. Allele origin: germline. Affected: yes.
Comment: This variant is considered likely benign or benign based on one or more of the following criteria: it is a conservative change, it occurs at a poorly conserved position in the protein, it is predicted to be benign by multiple in silico algorithms, and/or has population frequency not consistent with disease.

Breakthrough Genomics
Classification: Benign. Review status: criteria provided, single submitter. Criteria: ACMG Guidelines, 2015. Collection method: not provided. Allele origin: germline. Inheritance: Autosomal recessive inheritance. Affected: yes.

NM_000445.5(PLEC):c.-7+15G>T

Gene: PLEC (plectin; minus strand). Cytogenetic location: 8q24.3.
Variant type: single nucleotide variant.
Coding change: c.-7+15G>T on transcript NM_000445.5; 15 bases into the intron after 7 bases upstream of the start codon, G replaced by T.
Molecular consequence: intron variant.
Genome position (GRCh38, 1-based): chr8:143,976,688, C>A on the plus strand (G>T on the coding strand, the complement: PLEC is on the minus strand). VCF-style: chr8-143976688-C-A. GRCh37 (hg19) VCF-style: chr8-145050856-C-A.
Other names: c.-7+15G>T (NM_001410941.1).
Identifiers: ClinVar variation 380912 (VCV000380912.4), dbSNP rs28364664, ClinGen allele CA12945728.